The following is an entry in ClinVar:

NC_000017.11:g.50187123dup

Gene: COL1A1 (collagen type I alpha 1 chain; minus strand). Cytogenetic location: 17q21.33.
Variant type: Duplication.
Genome position: GRCh38 VCF-style: chr17-50187120-A-AC. GRCh37 (hg19) VCF-style: chr17-48264481-A-AC.
Identifiers: ClinVar variation 2034138 (VCV002034138.5), dbSNP rs2509167461, ClinGen allele CA2580094197.

ClinVar aggregate classification (germline): Pathogenic (1 of 4 stars; one submission).

Conditions:
Osteogenesis imperfecta type I (OI1). Also called: OI, TYPE I; OSTEOGENESIS IMPERFECTA TARDA; OSTEOGENESIS IMPERFECTA WITH BLUE SCLERAE; Osteogenesis imperfecta type 1; Classic Non-deforming Osteogenesis Imperfecta with Blue Sclerae; Lobstein disease. Identifiers: Orphanet 216796, Orphanet 666, MedGen C0023931, MONDO:0008146, OMIM 166200. Disease mechanism: loss of function.

Submission:

Labcorp Genetics (formerly Invitae), Labcorp
Classification: Pathogenic for Osteogenesis imperfecta type I. Last evaluated: 2023-06-24. Review status: criteria provided, single submitter. Criteria: Invitae Variant Classification Sherloc (09022015). Collection method: clinical testing. Allele origin: germline.
Comment: This sequence change creates a premature translational stop signal (p.Pro1143Serfs*31) in the COL1A1 gene. It is expected to result in an absent or disrupted protein product. Loss-of-function variants in COL1A1 are known to be pathogenic (PMID: 7942841, 9295084, 9443882). This variant is not present in population databases (gnomAD no frequency). This variant has not been reported in the literature in individuals affected with COL1A1-related conditions. ClinVar contains an entry for this variant (Variation ID: 2034138). For these reasons, this variant has been classified as Pathogenic.

Literature cited by the submitters: PubMed 7942841; PubMed 9295084; PubMed 9443882.